The following is an entry in ClinVar:

ClinVar aggregate classification (germline): Uncertain significance (1 of 4 stars; one submission).

Submission:

Labcorp Genetics (formerly Invitae), Labcorp
Classification: Uncertain significance. Last evaluated: 2022-07-15. Review status: criteria provided, single submitter. Criteria: Invitae Variant Classification Sherloc (09022015). Collection method: clinical testing. Allele origin: germline.
Comment: In summary, the available evidence is currently insufficient to determine the role of this variant in disease. Therefore, it has been classified as a Variant of Uncertain Significance. Algorithms developed to predict the effect of missense changes on protein structure and function are either unavailable or do not agree on the potential impact of this missense change (SIFT: "Deleterious"; PolyPhen-2: "Not Available"; Align-GVGD: "Class C0"). This variant has not been reported in the literature in individuals affected with RIN2-related conditions. This variant is not present in population databases (gnomAD no frequency). This sequence change replaces cysteine, which is neutral and slightly polar, with tyrosine, which is neutral and polar, at codon 176 of the RIN2 protein (p.Cys176Tyr).

NM_018993.4(RIN2):c.527G>A (p.Cys176Tyr)

Gene: RIN2 (Ras and Rab interactor 2; plus strand). Cytogenetic location: 20p11.23.
Variant type: single nucleotide variant.
Coding change: c.527G>A on transcript NM_018993.4 (MANE Select); coding-DNA position 527, G replaced by A.
Protein change: p.Cys176Tyr; replaces cysteine 176 with tyrosine.
Molecular consequence: missense variant. On other transcripts: intron variant (1).
Genome position (GRCh38, 1-based): chr20:19,965,015, G>A. VCF-style: chr20-19965015-G-A. GRCh37 (hg19) VCF-style: chr20-19945659-G-A.
Other names: c.674G>A, p.Cys225Tyr (NM_001242581.2); c.-83+4204G>A (NM_001378238.1); short protein forms C176Y, C225Y.
Identifiers: ClinVar variation 1713554 (VCV001713554.5), dbSNP rs2515442797, ClinGen allele CA408357739.